The following is an entry in ClinVar:

ClinVar aggregate classification (germline): Uncertain significance (1 of 4 stars; one submission).

Conditions:
Hereditary cancer-predisposing syndrome. Also called: Neoplastic Syndromes, Hereditary; Tumor predisposition; Hereditary Cancer Syndrome; Hereditary neoplastic syndrome. Identifiers: Orphanet 140162, MedGen C0027672, MeSH D009386, MONDO:0015356.

Submission:

Ambry Genetics
Classification: Uncertain significance for Hereditary cancer-predisposing syndrome. Last evaluated: 2014-02-05. Review status: criteria provided, single submitter. Criteria: Ambry Autosomal Dominant and X-Linked criteria (10/2015). Collection method: clinical testing. Allele origin: germline. Observed: 1 variant allele.
Comment: The p.S3336T variant (also known as c.10007G>C or10235G>C), located in coding exon 26 of the BRCA2 gene, results from a G to C substitution at nucleotide position 10007. The serine at codon 3336 is replaced by threonine, an amino acid with similar properties. This variant was not reported in population based cohorts in the following databases: Database of Single Nucleotide Polymorphisms (dbSNP), NHLBI Exome Sequencing Project (ESP), and 1000 Genomes Project. This amino acid position is poorly conserved in available vertebrate species. In addition, this alteration is predicted to be tolerated by in silico analysis.Since supporting evidence is limited at this time, the clinical significance of p.S3336T remains unclear.

NM_000059.4(BRCA2):c.10007G>C (p.Ser3336Thr)

Gene: BRCA2 (BRCA2 DNA repair associated; plus strand). Cytogenetic location: 13q13.1.
Variant type: single nucleotide variant.
Coding change: c.10007G>C on transcript NM_000059.4 (MANE Select); coding-DNA position 10007, G replaced by C.
Protein change: p.Ser3336Thr; replaces serine 3336 with threonine.
Molecular consequence: missense variant.
Genome position (GRCh38, 1-based): chr13:32,398,520, G>C. VCF-style: chr13-32398520-G-C. GRCh37 (hg19) VCF-style: chr13-32972657-G-C.
Other names: short protein forms S3336T.
Identifiers: ClinVar variation 141391 (VCV000141391.3), dbSNP rs587781714, ClinGen allele CA010030.